The following is an entry in ClinVar:

ClinVar aggregate classification (germline): Pathogenic (1 of 4 stars; one submission).

Conditions:
Salla disease (SD). Also called: Less Severe FSASD (Salla Disease); Sialuria, Finnish type; N-acetylneuraminic acid (NANA) storage disease (NSD); Infantile sialic acid storage disorder (ISSD). Identifiers: Orphanet 309334, Orphanet 834, MedGen C1096903, MONDO:0011449, OMIM 604369.

Submission:

Labcorp Genetics (formerly Invitae), Labcorp
Classification: Pathogenic for Salla disease. Last evaluated: 2022-06-03. Review status: criteria provided, single submitter. Criteria: Invitae Variant Classification Sherloc (09022015). Collection method: clinical testing. Allele origin: germline.
Comment: This sequence change creates a premature translational stop signal (p.Trp303*) in the SLC17A5 gene. It is expected to result in an absent or disrupted protein product. Loss-of-function variants in SLC17A5 are known to be pathogenic (PMID: 10581036, 10947946, 15172001). This variant is not present in population databases (gnomAD no frequency). This premature translational stop signal has been observed in individual(s) with lysosomal storage disease (PMID: 29654786). Algorithms developed to predict the effect of sequence changes on RNA splicing suggest that this variant may disrupt the consensus splice site. For these reasons, this variant has been classified as Pathogenic.

Literature cited by the submitters: PubMed 10581036; PubMed 10947946; PubMed 15172001; PubMed 29654786.

NM_012434.5(SLC17A5):c.908G>A (p.Trp303Ter)

Gene: SLC17A5 (solute carrier family 17 member 5; minus strand). Cytogenetic location: 6q13.
Variant type: single nucleotide variant.
Coding change: c.908G>A on transcript NM_012434.5 (MANE Select); coding-DNA position 908, G replaced by A.
Protein change: p.Trp303Ter; replaces tryptophan 303 with a stop codon.
Molecular consequence: nonsense. On other transcripts: intron variant (1).
Genome position (GRCh38, 1-based): chr6:73,621,874, C>T on the plus strand (G>A on the coding strand, the complement: SLC17A5 is on the minus strand). VCF-style: chr6-73621874-C-T. GRCh37 (hg19) VCF-style: chr6-74331597-C-T.
Other names: c.677G>A, p.Trp226Ter (NM_001382629.1); c.908G>A, p.Trp303Ter (NM_001382630.1, NM_001382633.1); c.929G>A, p.Trp310Ter (NM_001382631.1); c.821G>A, p.Trp274Ter (NM_001382632.1); c.905G>A, p.Trp302Ter (NM_001382635.1); c.590G>A, p.Trp197Ter (NM_001382636.1); c.820-6427G>A (NM_001382634.1); short protein forms W197*, W226*, W303*, W310*, W274*, W302*.
Identifiers: ClinVar variation 2002193 (VCV002002193.4), dbSNP rs1581971388, ClinGen allele CA364713478.
Genomic context (GRCh38, chr6:73,621,874, plus strand): 5'-TTGAACCTTAGGATCTCCTTCATATAAGTAGGCAATAATGTCAATAAAGTATAAAAAGTC[C>T]AGTTGTAAGAAAAGTGTGCAACTACGATAGCCCAAAGTGGCAGGGATTTTAAAATGGGTA-3'